The following is an entry in ClinVar:

ClinVar aggregate classification (germline): Uncertain significance (1 of 4 stars; one submission).

Conditions:
Cardiovascular phenotype. Identifiers: MedGen CN230736.
Hereditary cancer-predisposing syndrome. Also called: Tumor predisposition; Neoplastic Syndromes, Hereditary; Hereditary neoplastic syndrome; Hereditary Cancer Syndrome. Identifiers: Orphanet 140162, MedGen C0027672, MeSH D009386, MONDO:0015356.

Submission:

Ambry Genetics
Classification: Uncertain significance for Cardiovascular phenotype; Hereditary cancer-predisposing syndrome. Last evaluated: 2025-07-23. Review status: criteria provided, single submitter. Criteria: Ambry Variant Classification Scheme 2023. Collection method: clinical testing. Allele origin: germline.
Comment: The c.218_219delTGinsAA variant (also known as p.V73E), located in coding exon 2 of the LZTR1 gene, results from an in-frame deletion of TG and insertion of AA at nucleotide positions 218 to 219. This results in the substitution of the valine residue for a glutamic acid residue at codon 73, an amino acid with dissimilar properties. This amino acid position is highly conserved in available vertebrate species. In addition, the in silico prediction for this variant is inconclusive (Choi Y et al. PLoS ONE. 2012; 7(10):e46688). Based on the available evidence, the clinical significance of this variant remains unclear.

NM_006767.4(LZTR1):c.218_219delinsAA (p.Val73Glu)

Gene: LZTR1 (leucine zipper like post translational regulator 1; plus strand). Cytogenetic location: 22q11.21.
Variant type: Indel.
Coding change: c.218_219delinsAA on transcript NM_006767.4 (MANE Select); coding-DNA positions 218 to 219, TG replaced by AA.
Protein change: p.Val73Glu; replaces valine 73 with glutamic acid.
Molecular consequence: missense variant.
Genome position (GRCh38, 1-based): chr22:20,983,044-20,983,045, TG replaced by AA. VCF-style: chr22-20983044-TG-AA. GRCh37 (hg19) VCF-style: chr22-21337333-TG-AA.
Other names: short protein forms V73E.
Identifiers: ClinVar variation 4101891 (VCV004101891.1).